The following is an entry in ClinVar:

ClinVar aggregate classification (germline): Benign (1 of 4 stars; one submission).

Conditions:
Pulmonary hypertension, primary, 1 (PPH1). Also called: Pulmonary hypertension, familial primary, 1, with or without HHT. Identifiers: Orphanet 422, MedGen C4552070, MONDO:0024533, OMIM 178600.

Allele frequency attached by ClinVar (database versions not stated): 1000 Genomes Project 30x 0.00765; TOPMed 0.00173; 1000 Genomes Project 0.00779; gnomAD 0.00121 and 0.00155.

Submission:

Illumina Laboratory Services, Illumina
Classification: Benign for Pulmonary hypertension, primary, 1. Last evaluated: 2018-01-12. Review status: criteria provided, single submitter. Criteria: ICSL Variant Classification Criteria 13 December 2019. Collection method: clinical testing. Allele origin: germline.
Comment: This variant was observed in the ICSL laboratory as part of a predisposition screen in an ostensibly healthy population. It had not been previously curated by ICSL or reported in the Human Gene Mutation Database (HGMD: prior to June 1st, 2018), and was therefore a candidate for classification through an automated scoring system. Utilizing variant allele frequency, disease prevalence and penetrance estimates, and inheritance mode, an automated score was calculated to assess if this variant is too frequent to cause the disease. Based on the score and internal cut-off values, a variant classified as benign is not then subjected to further curation. The score for this variant resulted in a classification of benign for this disease.

NM_001204.7(BMPR2):c.*2901A>C

Gene: BMPR2 (bone morphogenetic protein receptor type 2; plus strand). Cytogenetic location: 2q33.2.
Variant type: single nucleotide variant.
Coding change: c.*2901A>C on transcript NM_001204.7 (MANE Select); 2901 bases downstream of the stop codon, A replaced by C.
Molecular consequence: 3 prime UTR variant.
Genome position (GRCh38, 1-based): chr2:202,562,847, A>C. VCF-style: chr2-202562847-A-C. GRCh37 (hg19) VCF-style: chr2-203427570-A-C.
Other names: c.*2901A>C (LRG_712t1).
Identifiers: ClinVar variation 333684 (VCV000333684.5), dbSNP rs190829513, ClinGen allele CA10613913.